The following is an entry in ClinVar:

NM_014112.5(TRPS1):c.1040G>A (p.Arg347His)

Gene: TRPS1 (transcriptional repressor GATA binding 1; minus strand). Cytogenetic location: 8q23.3.
Variant type: single nucleotide variant.
Coding change: c.1040G>A on transcript NM_014112.5 (MANE Select); coding-DNA position 1040, G replaced by A.
Protein change: p.Arg347His; replaces arginine 347 with histidine.
Molecular consequence: missense variant.
Genome position (GRCh38, 1-based): chr8:115,604,929, C>T on the plus strand (G>A on the coding strand, the complement: TRPS1 is on the minus strand). VCF-style: chr8-115604929-C-T. GRCh37 (hg19) VCF-style: chr8-116617156-C-T.
Other names: c.1013G>A, p.Arg338His (NM_001282902.3); c.1019G>A, p.Arg340His (NM_001282903.3); c.1001G>A, p.Arg334His (NM_001330599.2); short protein forms R347H, R334H, R340H, R338H.
Identifiers: ClinVar variation 2936584 (VCV002936584.3), dbSNP rs755972974, ClinGen allele CA4851890.

ClinVar aggregate classification (germline): Uncertain significance (1 of 4 stars; one submission).

Conditions:
Trichorhinophalangeal dysplasia type I (TRPS1). Also called: TRICHORHINOPHALANGEAL SYNDROME, TYPE I; TRPS I. Identifiers: Orphanet 77258, MedGen C0432233, MONDO:0008596, OMIM 190350.
Trichorhinophalangeal syndrome, type III (TRPS3). Also called: SUGIO-KAJII SYNDROME. Identifiers: Orphanet 77258, MedGen C1860823, OMIM 190351, MONDO:0008597.

Allele frequency attached by ClinVar (database versions not stated): gnomAD exomes below 0.00001; ExAC 0.00001; gnomAD 0.00001.

Submission:

Labcorp Genetics (formerly Invitae), Labcorp
Classification: Uncertain significance for Trichorhinophalangeal syndrome, type III; Trichorhinophalangeal dysplasia type I. Last evaluated: 2022-12-18. Review status: criteria provided, single submitter. Criteria: Invitae Variant Classification Sherloc (09022015). Collection method: clinical testing. Allele origin: germline.
Comment: Advanced modeling of protein sequence and biophysical properties (such as structural, functional, and spatial information, amino acid conservation, physicochemical variation, residue mobility, and thermodynamic stability) performed at Invitae indicates that this missense variant is expected to disrupt TRPS1 protein function. This sequence change replaces arginine, which is basic and polar, with histidine, which is basic and polar, at codon 347 of the TRPS1 protein (p.Arg347His). This variant has not been reported in the literature in individuals affected with TRPS1-related conditions. This variant is present in population databases (rs755972974, gnomAD 0.003%). In summary, the available evidence is currently insufficient to determine the role of this variant in disease. Therefore, it has been classified as a Variant of Uncertain Significance.